The following is an entry in ClinVar:

NM_001371904.1(APOA5):c.622G>A (p.Glu208Lys)

Gene: APOA5 (apolipoprotein A5; minus strand). Cytogenetic location: 11q23.3.
Variant type: single nucleotide variant.
Coding change: c.622G>A on transcript NM_001371904.1 (MANE Select); coding-DNA position 622, G replaced by A.
Protein change: p.Glu208Lys; replaces glutamic acid 208 with lysine.
Molecular consequence: missense variant.
Genome position (GRCh38, 1-based): chr11:116,790,607, C>T on the plus strand (G>A on the coding strand, the complement: APOA5 is on the minus strand). VCF-style: chr11-116790607-C-T. GRCh37 (hg19) VCF-style: chr11-116661323-C-T.
Other names: c.622G>A, p.Glu208Lys (NM_001166598.2, NM_052968.5); short protein forms E208K.
Identifiers: ClinVar variation 3021405 (VCV003021405.3), dbSNP rs759203957, ClinGen allele CA6289034.

ClinVar aggregate classification (germline): Uncertain significance (1 of 4 stars; one submission).

Allele frequency attached by ClinVar (database versions not stated): TOPMed below 0.00001; gnomAD exomes 0.00001; ExAC 0.00002.
gnomAD v4.1: 7 of 1,607,210 alleles (0.00044%); highest among the groups gnomAD compares: Admixed American, 0.01%; no homozygotes.

Submission:

Labcorp Genetics (formerly Invitae), Labcorp
Classification: Uncertain significance. Last evaluated: 2023-04-22. Review status: criteria provided, single submitter. Criteria: Invitae Variant Classification Sherloc (09022015). Collection method: clinical testing. Allele origin: germline.
Comment: In summary, the available evidence is currently insufficient to determine the role of this variant in disease. Therefore, it has been classified as a Variant of Uncertain Significance. An algorithm developed to predict the effect of missense changes on protein structure and function (PolyPhen-2) suggests that this variant is likely to be disruptive. This variant has not been reported in the literature in individuals affected with APOA5-related conditions. This variant is present in population databases (rs759203957, gnomAD 0.01%). This sequence change replaces glutamic acid, which is acidic and polar, with lysine, which is basic and polar, at codon 208 of the APOA5 protein (p.Glu208Lys).